The following is an entry in ClinVar:

NM_001942.4(DSG1):c.1252T>C (p.Ser418Pro)

Gene: DSG1 (desmoglein 1; plus strand). Cytogenetic location: 18q12.1.
Variant type: single nucleotide variant.
Coding change: c.1252T>C on transcript NM_001942.4 (MANE Select); coding-DNA position 1252, T replaced by C.
Protein change: p.Ser418Pro; replaces serine 418 with proline.
Molecular consequence: missense variant.
Genome position (GRCh38, 1-based): chr18:31,336,600, T>C. VCF-style: chr18-31336600-T-C. GRCh37 (hg19) VCF-style: chr18-28916563-T-C.
Other names: short protein forms S418P.
Identifiers: ClinVar variation 3023324 (VCV003023324.3), dbSNP rs2510834495, ClinGen allele CA402134490.

ClinVar aggregate classification (germline): Uncertain significance (1 of 4 stars; one submission).

Allele frequency attached by ClinVar (database versions not stated): gnomAD exomes below 0.00001.
gnomAD v4.1: 1 of 1,614,042 alleles (0.000062%); highest among the groups gnomAD compares: Non-Finnish European, 0.000085%; no homozygotes.

Submission:

Labcorp Genetics (formerly Invitae), Labcorp
Classification: Uncertain significance. Last evaluated: 2026-01-26. Review status: criteria provided, single submitter. Criteria: Invitae Variant Classification Sherloc (09022015). Collection method: clinical testing. Allele origin: germline.
Comment: This sequence change replaces serine, which is neutral and polar, with proline, which is neutral and non-polar, at codon 418 of the DSG1 protein (p.Ser418Pro). This variant is not present in population databases (gnomAD no frequency). This variant has not been reported in the literature in individuals affected with DSG1-related conditions. ClinVar contains an entry for this variant (Variation ID: 3023324). Invitae Evidence Modeling of protein sequence and biophysical properties (such as structural, functional, and spatial information, amino acid conservation, physicochemical variation, residue mobility, and thermodynamic stability) indicates that this missense variant is not expected to disrupt DSG1 protein function with a negative predictive value of 80%. In summary, the available evidence is currently insufficient to determine the role of this variant in disease. Therefore, it has been classified as a Variant of Uncertain Significance.